The following is an entry in ClinVar:

NM_020975.6(RET):c.1924G>C (p.Val642Leu)

Gene: RET (ret proto-oncogene; plus strand). Cytogenetic location: 10q11.21.
Variant type: single nucleotide variant.
Coding change: c.1924G>C on transcript NM_020975.6 (MANE Select); coding-DNA position 1924, G replaced by C.
Protein change: p.Val642Leu; replaces valine 642 with leucine.
Molecular consequence: missense variant. On other transcripts: intron variant (4).
Genome position (GRCh38, 1-based): chr10:43,114,524, G>C. VCF-style: chr10-43114524-G-C. GRCh37 (hg19) VCF-style: chr10-43609972-G-C.
Other names: c.1924G>C, p.Val642Leu (NM_001406760.1, NM_020630.7, NM_001406743.1 and 2 more transcripts); c.1795G>C, p.Val599Leu (NM_001406761.1, NM_001406762.1, NM_001406764.1); c.1636G>C, p.Val546Leu (NM_001406766.1, NM_001406767.1, NM_001406770.1); c.1528G>C, p.Val510Leu (NM_001406769.1, NM_001406772.1); c.1486G>C, p.Val496Leu (NM_001406771.1, NM_001406773.1); c.1027G>C, p.Val343Leu (NM_001406782.1, NM_001406779.1, NM_001406780.1 and 1 more transcripts); c.898G>C, p.Val300Leu (NM_001406783.1, NM_001406786.1); c.934G>C, p.Val312Leu (NM_001406784.1); and 10 more; short protein forms V159L, V400L, V467L, V510L, V247L, V343L, V599L, V300L.
Identifiers: ClinVar variation 3313703 (VCV003313703.1).

ClinVar aggregate classification (germline): Uncertain significance (1 of 4 stars; one submission).

Conditions:
Hereditary cancer-predisposing syndrome. Also called: Neoplastic Syndromes, Hereditary; Tumor predisposition; Hereditary neoplastic syndrome; Hereditary Cancer Syndrome. Identifiers: Orphanet 140162, MedGen C0027672, MeSH D009386, MONDO:0015356.

gnomAD v4.1: 1 of 1,609,686 alleles (0.000062%); highest among the groups gnomAD compares: Admixed American, 0.0017%; no homozygotes.

Submission:

Ambry Genetics
Classification: Uncertain significance for Hereditary cancer-predisposing syndrome. Last evaluated: 2024-04-28. Review status: criteria provided, single submitter. Criteria: Ambry Variant Classification Scheme 2023. Collection method: clinical testing. Allele origin: germline.
Comment: The p.V642L variant (also known as c.1924G>C), located in coding exon 11 of the RET gene, results from a G to C substitution at nucleotide position 1924. The valine at codon 642 is replaced by leucine, an amino acid with highly similar properties. This amino acid position is conserved. In addition, the in silico prediction for this alteration is inconclusive. Based on the available evidence, the clinical significance of this variant remains unclear.